The following is an entry in ClinVar:

NM_000395.3(CSF2RB):c.1970G>A (p.Arg657Lys)

Gene: CSF2RB (colony stimulating factor 2 receptor subunit beta; plus strand). Cytogenetic location: 22q12.3.
Variant type: single nucleotide variant.
Coding change: c.1970G>A on transcript NM_000395.3 (MANE Select); coding-DNA position 1970, G replaced by A.
Protein change: p.Arg657Lys; replaces arginine 657 with lysine.
Molecular consequence: missense variant.
Genome position (GRCh38, 1-based): chr22:36,937,778, G>A. VCF-style: chr22-36937778-G-A. GRCh37 (hg19) VCF-style: chr22-37333820-G-A.
Other names: short protein forms R657K.
Identifiers: ClinVar variation 1369223 (VCV001369223.6), dbSNP rs1601594857, ClinGen allele CA411410563.
Genomic context (GRCh38, chr22:36,937,778, plus strand): 5'-TGCAACTGGTCCCTCTGGCCCAGGCGATGGGACCAGGACAGGCCGTGGAAGTGGAGAGAA[G>A]GCCGAGCCAGGGGGCTGCAGGGAGTCCCTCCCTGGAGTCCGGGGGAGGCCCTGCCCCTCC-3'
Protein context (NP_000386.1, residues 647-667): GPGQAVEVER[Arg657Lys]PSQGAAGSPS

ClinVar aggregate classification (germline): Uncertain significance (1 of 4 stars; one submission).

gnomAD v4.1: 3 of 1,580,874 alleles (0.00019%); no homozygotes.

Submission:

Labcorp Genetics (formerly Invitae), Labcorp
Classification: Uncertain significance. Last evaluated: 2022-06-13. Review status: criteria provided, single submitter. Criteria: Invitae Variant Classification Sherloc (09022015). Collection method: clinical testing. Allele origin: germline.
Comment: In summary, the available evidence is currently insufficient to determine the role of this variant in disease. Therefore, it has been classified as a Variant of Uncertain Significance. Algorithms developed to predict the effect of missense changes on protein structure and function output the following: SIFT: "Tolerated"; PolyPhen-2: "Benign"; Align-GVGD: "Class C0". The lysine amino acid residue is found in multiple mammalian species, which suggests that this missense change does not adversely affect protein function. This variant has not been reported in the literature in individuals affected with CSF2RB-related conditions. This variant is not present in population databases (gnomAD no frequency). This sequence change replaces arginine, which is basic and polar, with lysine, which is basic and polar, at codon 657 of the CSF2RB protein (p.Arg657Lys).